The following is an entry in ClinVar:

NM_080424.4(SP110):c.1493_1494insCAAC (p.Pro499fs)

Gene: SP110 (SP110 nuclear body protein; minus strand). Cytogenetic location: 2q37.1.
Variant type: Insertion.
Coding change: c.1493_1494insCAAC on transcript NM_080424.4 (MANE Select); coding-DNA positions 1493 to 1494, CAAC inserted.
Protein change: p.Pro499fs; shifts the reading frame from proline 499.
Molecular consequence: frameshift variant.
Genome position: GRCh38 VCF-style: chr2-230177634-T-TGTTG. GRCh37 (hg19) VCF-style: chr2-231042350-T-TGTTG.
Other names: c.1511_1512insCAAC, p.Pro505fs (NM_001185015.2, NM_001378442.1, NM_001378444.1 and 2 more transcripts); c.1493_1494insCAAC, p.Pro499fs (NM_001378443.1, NM_004509.5, NM_004510.4); c.1343_1344insCAAC, p.Pro449fs (NM_001378447.1); short protein forms P499fs, P505fs, P449fs.
Identifiers: ClinVar variation 4714257 (VCV004714257.1).

ClinVar aggregate classification (germline): Pathogenic (1 of 4 stars; one submission).

Conditions:
Hepatic veno-occlusive disease-immunodeficiency syndrome. Also called: Hepatic Veno-Occlusive Disease with Immunodeficiency. Identifiers: Orphanet 79124, MedGen C1856128, MONDO:0009338, OMIM 235550. Disease mechanism: loss of function.

Submission:

Labcorp Genetics (formerly Invitae), Labcorp
Classification: Pathogenic for Hepatic veno-occlusive disease-immunodeficiency syndrome. Last evaluated: 2025-04-30. Review status: criteria provided, single submitter. Criteria: Invitae Variant Classification Sherloc (09022015). Collection method: clinical testing. Allele origin: germline.
Comment: This sequence change creates a premature translational stop signal (p.Pro499Asnfs*4) in the SP110 gene. It is expected to result in an absent or disrupted protein product. Loss-of-function variants in SP110 are known to be pathogenic (PMID: 16648851, 22621957). This variant is not present in population databases (gnomAD no frequency). This variant has not been reported in the literature in individuals affected with SP110-related conditions. For these reasons, this variant has been classified as Pathogenic.

Literature cited by the submitters: PubMed 16648851; PubMed 22621957.